The following is an entry in ClinVar:

NM_013382.7(POMT2):c.1127A>G (p.Tyr376Cys)

Gene: POMT2 (protein O-mannosyltransferase 2; minus strand). Cytogenetic location: 14q24.3.
Variant type: single nucleotide variant.
Coding change: c.1127A>G on transcript NM_013382.7 (MANE Select); coding-DNA position 1127, A replaced by G.
Protein change: p.Tyr376Cys; replaces tyrosine 376 with cysteine.
Molecular consequence: missense variant.
Genome position (GRCh38, 1-based): chr14:77,291,370, T>C on the plus strand (A>G on the coding strand, the complement: POMT2 is on the minus strand). VCF-style: chr14-77291370-T-C. GRCh37 (hg19) VCF-style: chr14-77757713-T-C.
Other names: short protein forms Y376C.
Identifiers: ClinVar variation 1018882 (VCV001018882.6), dbSNP rs1180170796, ClinGen allele CA390518966.

ClinVar aggregate classification (germline): Uncertain significance (1 of 4 stars; one submission).

Conditions:
Muscular dystrophy-dystroglycanopathy (congenital with brain and eye anomalies), type A2. Also called: MUSCULAR DYSTROPHY-DYSTROGLYCANOPATHY (CONGENITAL WITH BRAIN AND EYE ANOMALIES), TYPE A, 2; WALKER-WARBURG SYNDROME OR MUSCLE-EYE-BRAIN DISEASE, POMT2-RELATED. Identifiers: Orphanet 588, Orphanet 899, MedGen C3150411, MONDO:0013154, OMIM 613150.
Muscular dystrophy-dystroglycanopathy (congenital with impaired intellectual development), type B, 2. Also called: MUSCULAR DYSTROPHY, CONGENITAL, POMT2-RELATED; Muscular dystrophy-dystroglycanopathy (congenital with intellectual disability), type B2. Identifiers: MedGen C3150416, MONDO:0013160, OMIM 613156.
Autosomal recessive limb-girdle muscular dystrophy type 2N. Also called: Muscular dystrophy-dystroglycanopathy (limb-girdle), type C, 2; MUSCULAR DYSTROPHY-DYSTROGLYCANOPATHY, LIMB-GIRDLE, POMT2-RELATED. Identifiers: Orphanet 206559, MedGen C3150418, MONDO:0013162, OMIM 613158.

Allele frequency attached by ClinVar (database versions not stated): gnomAD exomes 0.00001; gnomAD 0.00005 and 0.00004; TOPMed 0.00004.
gnomAD v4.1: 13 of 1,227,004 alleles (0.0011%); highest among the groups gnomAD compares: Middle Eastern, 0.025%; no homozygotes.

Submission:

Labcorp Genetics (formerly Invitae), Labcorp
Classification: Uncertain significance for Muscular dystrophy-dystroglycanopathy (congenital with impaired intellectual development), type B, 2; Muscular dystrophy-dystroglycanopathy (congenital with brain and eye anomalies), type A2; Autosomal recessive limb-girdle muscular dystrophy type 2N. Last evaluated: 2022-11-01. Review status: criteria provided, single submitter. Criteria: Invitae Variant Classification Sherloc (09022015). Collection method: clinical testing. Allele origin: germline.
Comment: This sequence change replaces tyrosine, which is neutral and polar, with cysteine, which is neutral and slightly polar, at codon 376 of the POMT2 protein (p.Tyr376Cys). This variant is present in population databases (no rsID available, gnomAD 0.009%). This variant has not been reported in the literature in individuals affected with POMT2-related conditions. ClinVar contains an entry for this variant (Variation ID: 1018882). Algorithms developed to predict the effect of missense changes on protein structure and function (SIFT, PolyPhen-2, Align-GVGD) all suggest that this variant is likely to be disruptive. In summary, the available evidence is currently insufficient to determine the role of this variant in disease. Therefore, it has been classified as a Variant of Uncertain Significance.